The following is an entry in ClinVar:

NM_000518.5(HBB):c.93-2A>C

Genes: HBB (hemoglobin subunit beta; minus strand), LOC106099062 (HBB recombination region; plus strand), LOC107133510 (origin of replication at HBB; plus strand). Cytogenetic location: 11p15.4.
Variant type: single nucleotide variant.
Coding change: c.93-2A>C on transcript NM_000518.5 (MANE Select); the canonical splice acceptor site of the intron before coding-DNA position 93, A replaced by C.
Molecular consequence: splice acceptor variant.
Genome position (GRCh38, 1-based): chr11:5,226,801, T>G on the plus strand (A>C on the coding strand, the complement: HBB is on the minus strand). VCF-style: chr11-5226801-T-G. GRCh37 (hg19) VCF-style: chr11-5248031-T-G.
Other names: IVS I-129 (A>C).
Identifiers: ClinVar variation 439167 (VCV000439167.7), dbSNP rs63750513, ClinGen allele CA379274661.

ClinVar aggregate classification (germline): Pathogenic. Review status: criteria provided, multiple submitters, no conflicts (2 of 4 stars). 5 submissions from 5 submitters: Pathogenic (3). 2 of the submissions do not count toward it. Last evaluated 2024-04-25.

Conditions:
beta Thalassemia (BTHAL). Also called: Cooley's anemia; Erythroblastic anemia; Mediterranean anemia. Identifiers: Orphanet 848, MedGen C0005283, MONDO:0019402. Disease mechanism: loss of function.
Hemoglobinopathy. Also called: Hemoglobin disorder; Haemoglobinopathies. Identifiers: MedGen C0019045, MONDO:0044348.
Beta-thalassemia HBB/LCRB. Identifiers: MedGen CN322236, MONDO:0013517, OMIM 613985.

Submissions (5):

Natera, Inc.
Classification: Pathogenic for Beta thalassemia. Last evaluated: 2024-04-25. Review status: criteria provided, single submitter. Criteria: Natera Variant Classification Schema (03/2026). Collection method: clinical testing. Allele origin: germline.
Comment: The c.93-2A>C variant in HBB is a canonical splice acceptor site variant predicted to affect pre-mRNA splicing, which may result in an abnormal transcript and altered protein product. This variant is expected to result in nonsense mediated decay, truncation, or a dysfunctional protein product. This variant is rare in the general population with a frequency below the threshold expected for the associated phenotype(s). This variant has been observed in one or more individuals affected with the associated recessive disease, as either homozygous or compound heterozygous with a second variant (PMID: 27828729, 19486366). Given the available evidence, this variant is classified as Pathogenic.

Women's Health and Genetics/Laboratory Corporation of America, LabCorp
Classification: Pathogenic for Hemoglobinopathy. Last evaluated: 2018-05-11. Review status: criteria provided, single submitter. Criteria: LabCorp Variant Classification Summary - May 2015. Collection method: clinical testing. Allele origin: germline.
Comment: Variant summary: HBB c.93-2A>C is located in a canonical splice-site and is predicted to affect mRNA splicing resulting in a significantly altered protein due to either exon skipping, shortening, or inclusion of intronic material. Several computational tools predict a significant impact on normal splicing: Five predict the variant abolishes a 3-prime acceptor site. However, these predictions have yet to be confirmed by functional studies. The variant was absent in 246058 control chromosomes. The variant, c.93-2A>C, has been reported in the literature in individuals affected with Beta Thalassemia Major (Old 2001, Fisher 2003, Agarwal 2010, Panja 2017), all of these cases were reported from the Indian Subcontinent. These data indicate that the variant is likely to be associated with disease. To our knowledge, no experimental evidence demonstrating an impact on protein function has been reported. One clinical diagnostic laboratory has submitted clinical-significance assessments for this variant to ClinVar after 2014 without evidence for independent evaluation, and classified the variant as pathogenic. Based on the evidence outlined above, the variant was classified as pathogenic.

Quest Diagnostics Nichols Institute San Juan Capistrano
Classification: Pathogenic. Last evaluated: 2016-10-04. Review status: criteria provided, single submitter. Criteria: Quest Diagnostics criteria. Collection method: clinical testing. Allele origin: germline.

MOLECULAR BIOLOGY AND HUMAN GENETICS DIVISION, THE UNIVERSITY OF BURDWAN
Classification: Pathogenic for Beta-thalassemia HBB/LCRB. Last evaluated: 2024-05-07. Review status: no assertion criteria provided. Collection method: clinical testing. Allele origin: germline. Affected: yes. Observed: 1 variant allele. Not counted in ClinVar's aggregate classification.
Comment: HBB c.93-2A>C variant it is a beta 0 mutation presents in the itron 1 and Splice Acceptor Variant which alter the splicing of beta globin mRNA. The frequency of the variant among thalassemia patient in Eastern India is 0.09 % as per our multicentric project - A Genetic Diagnostic Algorithm Based Study for Thalassemia in Northern and Eastern Indian Populations, Funded by Dept. of Biotechnology , Govt of India [Project No. BT/PR26461/MED/12/821/2018]

The ITHANET community portal, The Cyprus Institute of Neurology and Genetics
Classification: Pathogenic for beta Thalassemia. Last evaluated: 2019-11-25. Review status: no assertion criteria provided. Collection method: curation. Allele origin: germline. Not counted in ClinVar's aggregate classification.

Literature cited by the submitters: PubMed 27828729 (cited by 3 submitters); PubMed 19486366 (cited by 3 submitters); PubMed 12752111 (cited by Women's Health and Genetics/Laboratory Corporation of America, LabCorp and Quest Diagnostics Nichols Institute San Juan Capistrano); PubMed 11791873 (cited by Quest Diagnostics Nichols Institute San Juan Capistrano and The ITHANET community portal, The Cyprus Institute of Neurology and Genetics).